The following is an entry in ClinVar:

NM_017757.3(ZNF407):c.3153C>T (p.Cys1051=)

Genes: ZNF407 (zinc finger protein 407; plus strand), LOC126862798 (MED14-independent group 3 enhancer GRCh37_chr18:72345358-72346557; plus strand). Cytogenetic location: 18q22.3.
Variant type: single nucleotide variant.
Coding change: c.3153C>T on transcript NM_017757.3 (MANE Select); coding-DNA position 3153, C replaced by T.
Protein change: p.Cys1051=; no amino-acid change (cysteine 1051 retained).
Molecular consequence: synonymous variant.
Genome position (GRCh38, 1-based): chr18:74,634,172, C>T. VCF-style: chr18-74634172-C-T. GRCh37 (hg19) VCF-style: chr18-72346128-C-T.
Other names: NC_000018.9:g.72346128C>T; c.3153C>T, p.Cys1051= (NM_001146189.1, NM_001146190.1, NM_001384475.1).
Identifiers: ClinVar variation 212665 (VCV000212665.11), dbSNP rs376436900, ClinGen allele CA209446.

ClinVar aggregate classification (germline): Conflicting classifications of pathogenicity. Review status: criteria provided, conflicting classifications (1 of 4 stars). 2 submissions from 2 submitters: Uncertain significance (1); Likely benign (1). Last evaluated 2025-12-01.

Allele frequency attached by ClinVar (database versions not stated): gnomAD 0.00003 and 0.00004; gnomAD exomes 0.00006 and 0.00015; ESP Exome Variant Server 0.00008; TOPMed 0.00010; ExAC 0.00012.
gnomAD v4.1: 95 of 1,613,868 alleles (0.0059%); highest among the groups gnomAD compares: Admixed American, 0.047%; no homozygotes.

Submissions (3):

CeGaT Center for Human Genetics Tuebingen
Classification: Likely benign. Last evaluated: 2025-12-01. Review status: criteria provided, single submitter. Criteria: CeGaT Center For Human Genetics Tuebingen Variant Classification Criteria Version 2. Collection method: clinical testing. Allele origin: germline. Affected: yes. Observed: 1 variant allele.
Comment: ZNF407: BP4, BP7

Genetic Services Laboratory, University of Chicago
Classification: Uncertain significance. Last evaluated: 2014-11-10. Review status: criteria provided, single submitter. Criteria: ACMG Guidelines, 2015. Collection method: clinical testing. Allele origin: germline.

Dr. Peter K. Rogan Lab, Western University
No classification provided (evidence only). Condition: Cervical cancer. Review status: no classification provided. Collection method: in vitro. Allele origin: not applicable. Functional consequence: retained intron. Not counted in ClinVar's aggregate classification.